The following is an entry in ClinVar:

ClinVar aggregate classification (germline): Uncertain significance. Review status: criteria provided, multiple submitters, no conflicts (2 of 4 stars). 2 submissions from 2 submitters: Uncertain significance (2). Last evaluated 2024-12-07.

Conditions:
Inborn genetic diseases. Identifiers: MedGen C0950123, MeSH D030342.
BBS5-related disorder. Also called: BBS5-related condition.

gnomAD v4.1: 2 of 1,608,068 alleles (0.00012%); highest among the groups gnomAD compares: Non-Finnish European, 0.00017%; no homozygotes.

Submissions (2):

Ambry Genetics
Classification: Uncertain significance for Inborn genetic diseases. Last evaluated: 2024-12-07. Review status: criteria provided, single submitter. Criteria: Ambry Variant Classification Scheme 2023. Collection method: clinical testing. Allele origin: germline.

PreventionGenetics, part of Exact Sciences
Classification: Uncertain significance for BBS5-related condition. Last evaluated: 2023-05-02. Review status: criteria provided, single submitter. Criteria: ACMG Guidelines, 2015. Collection method: clinical testing. Allele origin: germline.
Comment: The BBS5 c.221A>C variant is predicted to result in the amino acid substitution p.Asn74Thr. To our knowledge, this variant has not been reported in the literature or in a large population database, indicating this variant is rare. At this time, the clinical significance of this variant is uncertain due to the absence of conclusive functional and genetic evidence.

NM_152384.3(BBS5):c.221A>C (p.Asn74Thr)

Gene: BBS5 (Bardet-Biedl syndrome 5; plus strand). Cytogenetic location: 2q31.1.
Variant type: single nucleotide variant.
Coding change: c.221A>C on transcript NM_152384.3 (MANE Select); coding-DNA position 221, A replaced by C.
Protein change: p.Asn74Thr; replaces asparagine 74 with threonine.
Molecular consequence: missense variant.
Genome position (GRCh38, 1-based): chr2:169,487,818, A>C. VCF-style: chr2-169487818-A-C. GRCh37 (hg19) VCF-style: chr2-170344328-A-C.
Other names: short protein forms N74T.
Identifiers: ClinVar variation 2630499 (VCV002630499.2), dbSNP rs760357785, ClinGen allele CA349161384.
Genomic context (GRCh38, chr2:169,487,818, plus strand): 5'-TCAGTGTACCATATCATGCTCTTTACATTCTTTGCTTTTGGATTTTAGCTGTCGGTTACA[A>C]TTGCATATTGAATATTACAACAAGGACTGCTAACTCTGTAAGTCTAAAAAATCTTATTGC-3'
Protein context (NP_689597.1, residues 64-84): LSRVNVSVGY[Asn74Thr]CILNITTRTA